The following is an entry in ClinVar:

ClinVar aggregate classification (germline): Likely pathogenic (1 of 4 stars; one submission).

Submission:

GeneDx
Classification: Likely pathogenic. Last evaluated: 2026-07-26. Review status: criteria provided, single submitter. Criteria: GeneDx Variant Classification Process June 2021. Collection method: clinical testing. Allele origin: germline.
Comment: In silico analysis supports that this missense variant has a deleterious effect on protein structure/function; Not observed at significant frequency in large population cohorts (gnomAD); Has not been previously published as pathogenic or benign to our knowledge

NM_000719.7(CACNA1C):c.2129C>T (p.Ser710Leu)

Gene: CACNA1C (calcium voltage-gated channel subunit alpha1 C; plus strand). Cytogenetic location: 12p13.33.
Variant type: single nucleotide variant.
Coding change: c.2129C>T on transcript NM_000719.7 (MANE Select); coding-DNA position 2129, C replaced by T.
Protein change: p.Ser710Leu; replaces serine 710 with leucine.
Molecular consequence: missense variant.
Genome position (GRCh38, 1-based): chr12:2,582,847, C>T. VCF-style: chr12-2582847-C-T. GRCh37 (hg19) VCF-style: chr12-2692013-C-T.
Other names: c.2129C>T, p.Ser710Leu (NM_001129829.2, NM_001129830.3, NM_001129831.2 and 18 more transcripts); c.2120C>T, p.Ser707Leu (NM_001129844.2); short protein forms S707L, S710L.
Identifiers: ClinVar variation 4536255 (VCV004536255.2).